The following is an entry in ClinVar:

NM_014647.4(MARF1):c.2721-8G>C

Gene: MARF1 (meiosis regulator and mRNA stability factor 1; minus strand). Cytogenetic location: 16p13.11.
Variant type: single nucleotide variant.
Coding change: c.2721-8G>C on transcript NM_014647.4 (MANE Select); 8 bases into the intron before coding-DNA position 2721, G replaced by C.
Molecular consequence: intron variant.
Genome position (GRCh38, 1-based): chr16:15,617,543, C>G on the plus strand (G>C on the coding strand, the complement: MARF1 is on the minus strand). VCF-style: chr16-15617543-C-G. GRCh37 (hg19) VCF-style: chr16-15711400-C-G.
Other names: c.2712-8G>C (NM_001184999.2); c.2721-8G>C (NM_001184998.2).
Identifiers: ClinVar variation 2646252 (VCV002646252.24), dbSNP rs182562629, ClinGen allele CA7919716.

ClinVar aggregate classification (germline): Likely benign (1 of 4 stars; one submission).

Allele frequency attached by ClinVar (database versions not stated): ESP Exome Variant Server 0.00016; 1000 Genomes Project 0.00020; gnomAD 0.00023; 1000 Genomes Project 30x 0.00031; TOPMed 0.00055.

Submission:

CeGaT Center for Human Genetics Tuebingen
Classification: Likely benign. Last evaluated: 2023-08-01. Review status: criteria provided, single submitter. Criteria: CeGaT Center For Human Genetics Tuebingen Variant Classification Criteria Version 2. Collection method: clinical testing. Allele origin: germline. Affected: yes. Observed: 1 variant allele.
Comment: MARF1: BP4